The following is an entry in ClinVar:

NM_004525.3(LRP2):c.5189G>A (p.Gly1730Glu)

Gene: LRP2 (LDL receptor related protein 2; minus strand). Cytogenetic location: 2q31.1.
Variant type: single nucleotide variant.
Coding change: c.5189G>A on transcript NM_004525.3 (MANE Select); coding-DNA position 5189, G replaced by A.
Protein change: p.Gly1730Glu; replaces glycine 1730 with glutamic acid.
Molecular consequence: missense variant.
Genome position (GRCh38, 1-based): chr2:169,231,752, C>T on the plus strand (G>A on the coding strand, the complement: LRP2 is on the minus strand). VCF-style: chr2-169231752-C-T. GRCh37 (hg19) VCF-style: chr2-170088262-C-T.
Other names: short protein forms G1730E.
Identifiers: ClinVar variation 1510745 (VCV001510745.6), dbSNP rs752089581, ClinGen allele CA1954596.

ClinVar aggregate classification (germline): Uncertain significance. Review status: criteria provided, multiple submitters, no conflicts (2 of 4 stars). 2 submissions from 2 submitters: Uncertain significance (2). Last evaluated 2022-09-06.

Allele frequency attached by ClinVar (database versions not stated): TOPMed below 0.00001; ExAC 0.00001; gnomAD exomes 0.00002 and 0.00003.
gnomAD v4.1: 43 of 1,614,042 alleles (0.0027%); highest among the groups gnomAD compares: Non-Finnish European, 0.0036%; no homozygotes.

Submissions (2):

Labcorp Genetics (formerly Invitae), Labcorp
Classification: Uncertain significance. Last evaluated: 2022-09-06. Review status: criteria provided, single submitter. Criteria: Invitae Variant Classification Sherloc (09022015). Collection method: clinical testing. Allele origin: germline.
Comment: This sequence change replaces glycine, which is neutral and non-polar, with glutamic acid, which is acidic and polar, at codon 1730 of the LRP2 protein (p.Gly1730Glu). This variant is present in population databases (rs752089581, gnomAD 0.004%). This variant has not been reported in the literature in individuals affected with LRP2-related conditions. ClinVar contains an entry for this variant (Variation ID: 1510745). Advanced modeling of protein sequence and biophysical properties (such as structural, functional, and spatial information, amino acid conservation, physicochemical variation, residue mobility, and thermodynamic stability) performed at Invitae indicates that this missense variant is expected to disrupt LRP2 protein function. In summary, the available evidence is currently insufficient to determine the role of this variant in disease. Therefore, it has been classified as a Variant of Uncertain Significance.

Blueprint Genetics
Classification: Uncertain significance. Last evaluated: 2021-08-18. Review status: criteria provided, single submitter. Criteria: ACMG Guidelines, 2015. Collection method: clinical testing. Allele origin: germline.